The following is an entry in ClinVar:

ClinVar aggregate classification (germline): Pathogenic (1 of 4 stars; one submission).

Conditions:
Tuberous sclerosis 2 (TSC2). Identifiers: Orphanet 805, MedGen C1860707, MONDO:0013199, OMIM 613254.

Submission:

Labcorp Genetics (formerly Invitae), Labcorp
Classification: Pathogenic for Tuberous sclerosis 2. Last evaluated: 2023-06-27. Review status: criteria provided, single submitter. Criteria: Invitae Variant Classification Sherloc (09022015). Collection method: clinical testing. Allele origin: unknown.
Comment: For these reasons, this variant has been classified as Pathogenic. This variant disrupts a region of the TSC2 protein in which other variant(s) (p.Thr1068Ile) have been determined to be pathogenic (PMID: 21309039). This suggests that this is a clinically significant region of the protein, and that variants that disrupt it are likely to be disease-causing. This variant has not been reported in the literature in individuals affected with TSC2-related conditions. This variant results in the deletion of exon 29 and part of exons 28 and 30 (c.3142_3531) of the TSC2 gene. This variant would be expected to be in-frame, preserving the integrity of the reading frame.

Literature cited by the submitters: PubMed 21309039.

NC_000016.9:g.(?_2129280)_(2130292_?)del

Gene: TSC2 (TSC complex subunit 2; plus strand). Cytogenetic location: 16p13.3.
Variant type: Deletion.
Identifiers: ClinVar variation 3243481 (VCV003243481.1).